The following is an entry in ClinVar:

NM_000038.6(APC):c.7424C>T (p.Thr2475Ile)

Gene: APC (APC regulator of Wnt signaling pathway; plus strand). Cytogenetic location: 5q22.2.
Variant type: single nucleotide variant.
Coding change: c.7424C>T on transcript NM_000038.6 (MANE Select); coding-DNA position 7424, C replaced by T.
Protein change: p.Thr2475Ile; replaces threonine 2475 with isoleucine.
Molecular consequence: missense variant.
Genome position (GRCh38, 1-based): chr5:112,843,018, C>T. VCF-style: chr5-112843018-C-T. GRCh37 (hg19) VCF-style: chr5-112178715-C-T.
Other names: c.7424C>T, p.Thr2475Ile (NM_001127510.3, NM_001354895.2); c.7370C>T, p.Thr2457Ile (NM_001127511.3); c.7478C>T, p.Thr2493Ile (NM_001354896.2); c.7454C>T, p.Thr2485Ile (NM_001354897.2); c.7349C>T, p.Thr2450Ile (NM_001354898.2); c.7340C>T, p.Thr2447Ile (NM_001354899.2); c.7301C>T, p.Thr2434Ile (NM_001354900.2); c.7247C>T, p.Thr2416Ile (NM_001354901.2); and 5 more; short protein forms T2457I, T2475I, T2374I, T2447I, T2450I, T2485I, T2384I, T2192I.
Identifiers: ClinVar variation 537497 (VCV000537497.16), dbSNP rs1554088345, ClinGen allele CA16037489.
Genomic context (GRCh38, chr5:112,843,018, plus strand): 5'-AATTGGAGGAATCTGCTTCATTTGAATCTCTTTCTCCATCATCTAGACCAGCTTCTCCCA[C>T]TAGGTCCCAGGCACAAACTCCAGTTTTAAGTCCTTCCCTTCCTGATATGTCTCTATCCAC-3'
Protein context (NP_000029.2, residues 2465-2485): LSPSSRPASP[Thr2475Ile]RSQAQTPVLS

ClinVar aggregate classification (germline): Uncertain significance. Review status: criteria provided, multiple submitters, no conflicts (2 of 4 stars). 3 submissions from 3 submitters: Uncertain significance (3). Last evaluated 2025-09-26.

Conditions:
Hereditary cancer-predisposing syndrome. Also called: Tumor predisposition; Hereditary Cancer Syndrome; Hereditary neoplastic syndrome; Neoplastic Syndromes, Hereditary. Identifiers: Orphanet 140162, MedGen C0027672, MeSH D009386, MONDO:0015356.
Familial adenomatous polyposis 1 (FAP1). Also called: FAMILIAL ADENOMATOUS POLYPOSIS 1, ATTENUATED; POLYPOSIS, ADENOMATOUS INTESTINAL. Identifiers: MedGen C2713442, MONDO:0021056, OMIM 175100. Disease mechanism: loss of function.

Submissions (3):

Ambry Genetics
Classification: Uncertain significance for Hereditary cancer-predisposing syndrome. Last evaluated: 2025-09-26. Review status: criteria provided, single submitter. Criteria: Ambry Variant Classification Scheme 2023. Collection method: clinical testing. Allele origin: germline.
Comment: The p.T2475I variant (also known as c.7424C>T), located in coding exon 15 of the APC gene, results from a C to T substitution at nucleotide position 7424. The threonine at codon 2475 is replaced by isoleucine, an amino acid with similar properties. This amino acid position is well conserved in available vertebrate species. In addition, in silico predictors for this gene do not accurately predict pathogenicity. Missense variants in APC are not a common cause of disease (Spier I et al. Genet Med. 2024 Feb;26(2):100992). Based on the available evidence, the clinical significance of this variant remains unclear.

Color Diagnostics, LLC DBA Color Health
Classification: Uncertain significance for Hereditary cancer-predisposing syndrome. Last evaluated: 2023-12-04. Review status: criteria provided, single submitter. Criteria: ACMG Guidelines, 2015. Collection method: clinical testing. Allele origin: germline.
Comment: This missense variant replaces threonine with isoleucine at codon 2475 of the APC protein. Computational prediction suggests that this variant may not impact protein structure and function (internally defined REVEL score threshold <= 0.5, PMID: 27666373). To our knowledge, functional studies have not been reported for this variant. This variant has not been reported in individuals affected with APC-related disorders in the literature. This variant has not been identified in the general population by the Genome Aggregation Database (gnomAD). The available evidence is insufficient to determine the role of this variant in disease conclusively. Therefore, this variant is classified as a Variant of Uncertain Significance.

Labcorp Genetics (formerly Invitae), Labcorp
Classification: Uncertain significance for Familial adenomatous polyposis 1. Last evaluated: 2021-07-13. Review status: criteria provided, single submitter. Criteria: Invitae Variant Classification Sherloc (09022015). Collection method: clinical testing. Allele origin: germline.
Comment: Algorithms developed to predict the effect of missense changes on protein structure and function do not agree on the potential impact of this missense change (SIFT: "Deleterious"; PolyPhen-2: "Possibly Damaging"; Align-GVGD: "Class C0"). This sequence change replaces threonine with isoleucine at codon 2475 of the APC protein (p.Thr2475Ile). The threonine residue is highly conserved and there is a moderate physicochemical difference between threonine and isoleucine. This variant is not present in population databases (ExAC no frequency). This variant has not been reported in the literature in individuals with APC-related disease. In summary, the available evidence is currently insufficient to determine the role of this variant in disease. Therefore, it has been classified as a Variant of Uncertain Significance.